The following is an entry in ClinVar:

ClinVar aggregate classification (germline): Likely pathogenic (1 of 4 stars; one submission).

Conditions:
Joubert syndrome. Also called: CEREBELLOPARENCHYMAL DISORDER IV; JOUBERT-BOLTSHAUSER SYNDROME; Familial aplasia of the vermis. Identifiers: Orphanet 475, MedGen C5979921, MONDO:0018772.
Meckel-Gruber syndrome. Also called: DYSENCEPHALIA SPLANCHNOCYSTICA; GRUBER SYNDROME; Dysencephalia splachnocystica. Identifiers: Orphanet 564, MedGen C0265215, MONDO:0018921.

Submission:

Labcorp Genetics (formerly Invitae), Labcorp
Classification: Likely pathogenic for Joubert syndrome; Meckel-Gruber syndrome. Last evaluated: 2022-09-24. Review status: criteria provided, single submitter. Criteria: Invitae Variant Classification Sherloc (09022015). Collection method: clinical testing. Allele origin: germline.
Comment: In summary, the currently available evidence indicates that the variant is pathogenic, but additional data are needed to prove that conclusively. Therefore, this variant has been classified as Likely Pathogenic. Algorithms developed to predict the effect of sequence changes on RNA splicing suggest that this variant may disrupt the consensus splice site. This variant has not been reported in the literature in individuals affected with MKS1-related conditions. This variant is not present in population databases (gnomAD no frequency). This sequence change affects an acceptor splice site in intron 10 of the MKS1 gene. It is expected to disrupt RNA splicing. Variants that disrupt the donor or acceptor splice site typically lead to a loss of protein function (PMID: 16199547), and loss-of-function variants in MKS1 are known to be pathogenic (PMID: 19466712, 24886560, 26490104).

Literature cited by the submitters: PubMed 16199547; PubMed 19466712; PubMed 24886560; PubMed 26490104.

NM_017777.4(MKS1):c.959-1G>A

Gene: MKS1 (MKS transition zone complex subunit 1; minus strand). Cytogenetic location: 17q22.
Variant type: single nucleotide variant.
Coding change: c.959-1G>A on transcript NM_017777.4 (MANE Select); the canonical splice acceptor site of the intron before coding-DNA position 959, G replaced by A.
Molecular consequence: splice acceptor variant.
Genome position (GRCh38, 1-based): chr17:58,210,725, C>T on the plus strand (G>A on the coding strand, the complement: MKS1 is on the minus strand). VCF-style: chr17-58210725-C-T. GRCh37 (hg19) VCF-style: chr17-56288086-C-T.
Other names: c.350-1G>A (NM_001321268.2); c.959-1G>A (NM_001330397.2, NM_001321269.2, NM_001411113.1).
Identifiers: ClinVar variation 2028897 (VCV002028897.4), dbSNP rs2509426428, ClinGen allele CA400326086.